The following is an entry in ClinVar:

NM_000124.4(ERCC6):c.2543T>A (p.Leu848Ter)

Gene: ERCC6 (ERCC excision repair 6, chromatin remodeling factor; minus strand). Cytogenetic location: 10q11.23.
Variant type: single nucleotide variant.
Coding change: c.2543T>A on transcript NM_000124.4 (MANE Select); coding-DNA position 2543, T replaced by A.
Protein change: p.Leu848Ter; replaces leucine 848 with a stop codon.
Molecular consequence: nonsense.
Genome position (GRCh38, 1-based): chr10:49,474,082, A>T on the plus strand (T>A on the coding strand, the complement: ERCC6 is on the minus strand). VCF-style: chr10-49474082-A-T. GRCh37 (hg19) VCF-style: chr10-50682128-A-T.
Other names: c.2543T>A, p.Leu848Ter (NM_001346440.2); short protein forms L848*.
Identifiers: ClinVar variation 983769 (VCV000983769.3), dbSNP rs1850832063, ClinGen allele CA376721355.

ClinVar aggregate classification (germline): Likely pathogenic (1 of 4 stars; one submission).

Conditions:
Cockayne syndrome type 2 (CSB). Also called: Cockayne Syndrome, Type II; COCKAYNE SYNDROME B. Identifiers: Orphanet 191, Orphanet 90322, MedGen C0751038, MONDO:0019570, OMIM 133540.

Submission:

Myriad Genetics, Inc.
Classification: Likely pathogenic for Cockayne syndrome type 2. Last evaluated: 2019-10-24. Review status: criteria provided, single submitter. Criteria: Myriad Women's Health Autosomal Recessive and X-Linked Classification Criteria (2019). Collection method: clinical testing. Allele origin: unknown.
Comment: NM_000124.2(ERCC6):c.2543T>A(L848*) is expected to be pathogenic in the context of ERCC6-related disorders. This variant is predicted to lead to an abnormal or absent protein product due to the creation of a premature termination codon in ERCC6, a gene where loss-of-function variants are known to be pathogenic. Please note: this variant was assessed in the context of healthy population screening.